The following is an entry in ClinVar:

ClinVar aggregate classification (germline): Benign/Likely benign. Review status: criteria provided, multiple submitters, no conflicts (2 of 4 stars). 6 submissions from 6 submitters: Benign (1); Likely benign (5). Last evaluated 2025-10-14.

Conditions:
Joubert syndrome. Also called: JOUBERT-BOLTSHAUSER SYNDROME; Familial aplasia of the vermis. Identifiers: Orphanet 475, MedGen C5979921, MONDO:0018772.
Orofaciodigital syndrome I (OFD1). Also called: OFDS I; Oral-Facial-Digital Syndrome Type I; Papillon-Leage and Psaume Syndrome. Identifiers: Orphanet 2750, MedGen C1510460, MONDO:0010702, OMIM 311200.

Allele frequency attached by ClinVar (database versions not stated): TOPMed 0.00006; gnomAD 0.00007 and 0.00010; gnomAD exomes 0.00011; ExAC 0.00015; 1000 Genomes Project 30x 0.00021; 1000 Genomes Project 0.00026.
gnomAD v4.1: 129 of 1,209,244 alleles (0.011%); highest among the groups gnomAD compares: Middle Eastern, 0.23%; no homozygotes.

Submissions (6):

Labcorp Genetics (formerly Invitae), Labcorp
Classification: Likely benign for Orofaciodigital syndrome I; Joubert syndrome. Last evaluated: 2025-10-14. Review status: criteria provided, single submitter. Criteria: Invitae Variant Classification Sherloc (09022015). Collection method: clinical testing. Allele origin: germline.

Blueprint Genetics
Classification: Likely benign. Last evaluated: 2024-06-24. Review status: criteria provided, single submitter. Criteria: ACMG Guidelines, 2015. Collection method: clinical testing. Allele origin: germline.

CeGaT Center for Human Genetics Tuebingen
Classification: Likely benign. Last evaluated: 2024-03-01. Review status: criteria provided, single submitter. Criteria: CeGaT Center For Human Genetics Tuebingen Variant Classification Criteria Version 2. Collection method: clinical testing. Allele origin: germline. Affected: yes. Observed: 2 variant alleles.
Comment: OFD1: BP4, BS2

GeneDx
Classification: Benign. Last evaluated: 2020-06-17. Review status: criteria provided, single submitter. Criteria: GeneDx Variant Classification Process June 2021. Collection method: clinical testing. Allele origin: germline. Affected: yes.

Genetic Services Laboratory, University of Chicago
Classification: Likely benign. Last evaluated: 2016-02-16. Review status: criteria provided, single submitter. Criteria: ACMG Guidelines, 2015. Collection method: clinical testing. Allele origin: germline. Affected: no.

PreventionGenetics, part of Exact Sciences
Classification: Likely benign. Review status: criteria provided, single submitter. Criteria: ACMG Guidelines, 2015. Collection method: clinical testing. Allele origin: germline.

NM_003611.3(OFD1):c.2260+8A>G

Gene: OFD1 (OFD1 centriole and centriolar satellite protein; plus strand). Cytogenetic location: Xp22.2.
Variant type: single nucleotide variant.
Coding change: c.2260+8A>G on transcript NM_003611.3 (MANE Select); 8 bases into the intron after coding-DNA position 2260, A replaced by G.
Molecular consequence: intron variant.
Genome position (GRCh38, 1-based): chrX:13,760,728, A>G. VCF-style: chrX-13760728-A-G. GRCh37 (hg19) VCF-style: chrX-13778847-A-G.
Other names: c.1840+8A>G (NM_001330210.2); c.2140+8A>G (NM_001330209.2).
Identifiers: ClinVar variation 259097 (VCV000259097.43), dbSNP rs768452237, ClinGen allele CA10351958.